The following is an entry in ClinVar:

NM_001113407.3(LDB1):c.730C>T (p.Arg244Ter)

Gene: LDB1 (LIM domain binding 1; minus strand). Cytogenetic location: 10q24.32.
Variant type: single nucleotide variant.
Coding change: c.730C>T on transcript NM_001113407.3 (MANE Select); coding-DNA position 730, C replaced by T.
Protein change: p.Arg244Ter; replaces arginine 244 with a stop codon.
Molecular consequence: nonsense.
Genome position (GRCh38, 1-based): chr10:102,109,602, G>A on the plus strand (C>T on the coding strand, the complement: LDB1 is on the minus strand). VCF-style: chr10-102109602-G-A. GRCh37 (hg19) VCF-style: chr10-103869359-G-A.
Other names: c.730C>T, p.Arg244Ter (NM_001321612.2); c.622C>T, p.Arg208Ter (NM_003893.5); short protein forms R208*, R244*.
Identifiers: ClinVar variation 3602244 (VCV003602244.1).

ClinVar aggregate classification (germline): Uncertain significance (1 of 4 stars; one submission).

Submission:

GeneDx
Classification: Uncertain significance. Last evaluated: 2023-04-24. Review status: criteria provided, single submitter. Criteria: GeneDx Variant Classification Process June 2021. Collection method: clinical testing. Allele origin: germline. Affected: yes.
Comment: Not observed at significant frequency in large population cohorts (gnomAD); Nonsense variant predicted to result in protein truncation or nonsense mediated decay in a gene or region of a gene for which loss of function is not a well-established mechanism of disease; Has not been previously published as pathogenic or benign to our knowledge; Variants in candidate genes are classified as variants of uncertain significance in accordance with ACMG guidelines (Richards et al., 2015)